The following is an entry in ClinVar:

ClinVar aggregate classification (germline): Uncertain significance (1 of 4 stars; one submission).

Conditions:
Yao syndrome. Also called: Susceptibility to Yao syndrome. Identifiers: MedGen C4310620, MONDO:0015019, OMIM 617321.

Submission:

Centre for Mendelian Genomics, University Medical Centre Ljubljana
Classification: Uncertain significance for Yao syndrome. Last evaluated: 2020-01-27. Review status: criteria provided, single submitter. Criteria: ACMG Guidelines, 2015. Collection method: clinical testing. Allele origin: unknown. Affected: yes.
Comment: This variant was classified as: Uncertain significance. The available evidence on this variant's pathogenicity is insufficient or conflicting. The following ACMG criteria were applied in classifying this variant: PM2,PP3.

NM_001370466.1(NOD2):c.749G>A (p.Gly250Asp)

Gene: NOD2 (nucleotide binding oligomerization domain containing 2; plus strand). Cytogenetic location: 16q12.1.
Variant type: single nucleotide variant.
Coding change: c.749G>A on transcript NM_001370466.1 (MANE Select); coding-DNA position 749, G replaced by A.
Protein change: p.Gly250Asp; replaces glycine 250 with aspartic acid.
Molecular consequence: missense variant. On other transcripts: non-coding transcript variant (1).
Genome position (GRCh38, 1-based): chr16:50,710,741, G>A. VCF-style: chr16-50710741-G-A. GRCh37 (hg19) VCF-style: chr16-50744652-G-A.
Other names: c.749G>A, p.Gly250Asp (NM_001293557.2); c.830G>A, p.Gly277Asp (NM_022162.3); short protein forms G250D, G277D.
Identifiers: ClinVar variation 931759 (VCV000931759.3), dbSNP rs1437917228, ClinGen allele CA395867655.